The following is an entry in ClinVar:

NM_000368.5(TSC1):c.244_251del (p.Lys82fs)

Gene: TSC1 (TSC complex subunit 1; minus strand). Cytogenetic location: 9q34.13.
Variant type: Deletion.
Coding change: c.244_251del on transcript NM_000368.5 (MANE Select); coding-DNA positions 244 to 251, 8 bases deleted (AAAGCCGC; older notation c.244_251delAAAGCCGC).
Protein change: p.Lys82fs; shifts the reading frame from lysine 82.
Molecular consequence: frameshift variant. On other transcripts: 5 prime UTR variant (18), non-coding transcript variant (5), intron variant (5).
Genome position (GRCh38, 1-based): chr9:132,925,699-132,925,706, GCGGCTTT deleted on the plus strand (AAAGCCGC on the coding strand, the reverse complement: TSC1 is on the minus strand); deleting any 8 consecutive bases within chr9:132,925,699-132,925,708 gives the same sequence; the c. name uses the placement nearest the transcript's 3' end. VCF-style (leftmost placement, unchanged base first): chr9-132925698-GGCGGCTTT-G. GRCh37 (hg19) VCF-style: chr9-135801085-GGCGGCTTT-G.
Other names: c.244_251del, p.Lys82fs (NM_001162426.2, NM_001406592.1, NM_001406593.1 and 16 more transcripts); c.-120_-113del (NM_001362177.2, NM_001406617.1, NM_001406618.1 and 5 more transcripts); c.-212_-205del (NM_001406614.1, NM_001406616.1, NM_001406624.1); c.-245_-238del (NM_001406615.1, NM_001406623.1); c.-634_-627del (NM_001406626.1, NM_001406627.1, NM_001406628.1); c.-776_-769del (NM_001406629.1); c.-850_-843del (NM_001406630.1); c.210+1495_210+1502del (NM_001406613.1, NM_001406612.1, NM_001406610.1 and 2 more transcripts); short protein forms K82fs.
Identifiers: ClinVar variation 4720732 (VCV004720732.1).
Genomic context (GRCh38, chr9:132,925,698, plus strand): 5'-CTTCCAAGATGGCTGCAGTCTTATGACATGACCCAGTAACGAGAGGATGGATAAACGAGT[GGCGGCTTT>G]GCCCACATATTCGTTAATCCTGTCCAAGAGGTGCTGAAAATGTAAAAGAACAAGGGCAGT-3'

ClinVar aggregate classification (germline): Pathogenic (1 of 4 stars; one submission).

Conditions:
Tuberous sclerosis 1 (TSC1). Identifiers: Orphanet 805, MedGen C1854465, MONDO:0008612, OMIM 191100.

Submission:

Labcorp Genetics (formerly Invitae), Labcorp
Classification: Pathogenic for Tuberous sclerosis 1. Last evaluated: 2025-06-04. Review status: criteria provided, single submitter. Criteria: Invitae Variant Classification Sherloc (09022015). Collection method: clinical testing. Allele origin: germline.
Comment: This sequence change creates a premature translational stop signal (p.Lys82Hisfs*22) in the TSC1 gene. It is expected to result in an absent or disrupted protein product. Loss-of-function variants in TSC1 are known to be pathogenic (PMID: 10227394, 17304050). This variant is not present in population databases (gnomAD no frequency). This variant has not been reported in the literature in individuals affected with TSC1-related conditions. Algorithms developed to predict the effect of sequence changes on RNA splicing suggest that this variant may disrupt the consensus splice site. For these reasons, this variant has been classified as Pathogenic.

Literature cited by the submitters: PubMed 10227394; PubMed 17304050.